The following is an entry in ClinVar:

ClinVar aggregate classification (germline): Uncertain significance. Review status: criteria provided, multiple submitters, no conflicts (2 of 4 stars). 2 submissions from 2 submitters: Uncertain significance (2). Last evaluated 2022-09-28.

Conditions:
Retinitis pigmentosa 71 (RP71). Identifiers: Orphanet 791, MedGen C4225342, MONDO:0014618, OMIM 616394.
Short-rib thoracic dysplasia 10 with or without polydactyly (SRTD10). Identifiers: Orphanet 474, MedGen C3810175, MONDO:0014284, OMIM 615630.

Allele frequency attached by ClinVar (database versions not stated): 1000 Genomes Project 30x 0.00031.

Submissions (2):

Blueprint Genetics
Classification: Uncertain significance. Last evaluated: 2022-09-28. Review status: criteria provided, single submitter. Criteria: ACMG Guidelines, 2015. Collection method: clinical testing. Allele origin: germline.

Labcorp Genetics (formerly Invitae), Labcorp
Classification: Uncertain significance for Retinitis pigmentosa 71; Short-rib thoracic dysplasia 10 with or without polydactyly. Last evaluated: 2021-09-03. Review status: criteria provided, single submitter. Criteria: Invitae Variant Classification Sherloc (09022015). Collection method: clinical testing. Allele origin: germline.
Comment: This sequence change replaces glutamine with histidine at codon 1329 of the IFT172 protein (p.Gln1329His). The glutamine residue is moderately conserved and there is a small physicochemical difference between glutamine and histidine. This variant is present in population databases (rs768705269, ExAC 0.01%). This variant has not been reported in the literature in individuals affected with IFT172-related conditions. Algorithms developed to predict the effect of missense changes on protein structure and function (SIFT, PolyPhen-2, Align-GVGD) all suggest that this variant is likely to be tolerated. In summary, the available evidence is currently insufficient to determine the role of this variant in disease. Therefore, it has been classified as a Variant of Uncertain Significance.

NM_015662.3(IFT172):c.3987A>T (p.Gln1329His)

Gene: IFT172 (intraflagellar transport 172; minus strand). Cytogenetic location: 2p23.3.
Variant type: single nucleotide variant.
Coding change: c.3987A>T on transcript NM_015662.3 (MANE Select); coding-DNA position 3987, A replaced by T.
Protein change: p.Gln1329His; replaces glutamine 1329 with histidine.
Molecular consequence: missense variant.
Genome position (GRCh38, 1-based): chr2:27,450,061, T>A on the plus strand (A>T on the coding strand, the complement: IFT172 is on the minus strand). VCF-style: chr2-27450061-T-A. GRCh37 (hg19) VCF-style: chr2-27672928-T-A.
Other names: short protein forms Q1329H.
Identifiers: ClinVar variation 1438305 (VCV001438305.7), dbSNP rs768705269, ClinGen allele CA1579771.
Genomic context (GRCh38, chr2:27,450,061, plus strand): 5'-ACTGTGCTTTCCAATTCCAATCAGCTGGGGTCCTACAGCCAGAACGACTTCCATATTACG[T>A]TGGGGAGGCAGAAACTTGATGGAGAGTTCAGCTGCCTGAGTGGTTGAACAGAAGATGGAA-3'
Protein context (NP_056477.1, residues 1319-1339): AELSIKFLPP[Gln1329His]RNMEVVLAVG